The following is an entry in ClinVar:

ClinVar aggregate classification (germline): Pathogenic. Review status: criteria provided, multiple submitters, no conflicts (2 of 4 stars). 2 submissions from 2 submitters: Pathogenic (2). Last evaluated 2018-07-03.

Conditions:
Hereditary cancer-predisposing syndrome. Also called: Hereditary neoplastic syndrome; Tumor predisposition; Hereditary Cancer Syndrome; Neoplastic Syndromes, Hereditary. Identifiers: Orphanet 140162, MedGen C0027672, MeSH D009386, MONDO:0015356.
Ataxia-telangiectasia syndrome (AT). Also called: Cerebello-oculocutaneous telangiectasia; Immunodeficiency with ataxia telangiectasia; Ataxia telangiectasia (A-T); Ataxia-telangiectasia, complementation group E; LOUIS-BAR SYNDROME; Ataxia-telangiectasia. Identifiers: Orphanet 100, MedGen C0004135, MONDO:0008840, OMIM 208900.

Submissions (2):

Ambry Genetics
Classification: Pathogenic for Hereditary cancer-predisposing syndrome. Last evaluated: 2018-07-03. Review status: criteria provided, single submitter. Criteria: Ambry Variant Classification Scheme 2023. Collection method: clinical testing. Allele origin: germline.
Comment: The p.E1146* pathogenic mutation (also known as c.3436G>T), located in coding exon 23 of the ATM gene, results from a G to T substitution at nucleotide position 3436. This changes the amino acid from a glutamic acid to a stop codon within coding exon 23. This alteration is expected to result in loss of function by premature protein truncation or nonsense-mediated mRNA decay. As such, this alteration is interpreted as a disease-causing mutation.

Labcorp Genetics (formerly Invitae), Labcorp
Classification: Pathogenic for Ataxia-telangiectasia syndrome. Last evaluated: 2018-02-13. Review status: criteria provided, single submitter. Criteria: Invitae Variant Classification Sherloc (09022015). Collection method: clinical testing. Allele origin: germline.
Comment: For these reasons, this variant has been classified as Pathogenic. Loss-of-function variants in ATM are known to be pathogenic (PMID: 23807571, 25614872). This variant has not been reported in the literature in individuals with ATM-related disease. This variant is not present in population databases (ExAC no frequency). This sequence change creates a premature translational stop signal (p.Glu1146*) in the ATM gene. It is expected to result in an absent or disrupted protein product.

Literature cited by the submitters: PubMed 23807571 (cited by Labcorp Genetics (formerly Invitae), Labcorp); PubMed 25614872 (cited by Labcorp Genetics (formerly Invitae), Labcorp).

NM_000051.4(ATM):c.3436G>T (p.Glu1146Ter)

Gene: ATM (ATM serine/threonine kinase; plus strand). Cytogenetic location: 11q22.3.
Variant type: single nucleotide variant.
Coding change: c.3436G>T on transcript NM_000051.4 (MANE Select); coding-DNA position 3436, G replaced by T.
Protein change: p.Glu1146Ter; replaces glutamic acid 1146 with a stop codon.
Molecular consequence: nonsense.
Genome position (GRCh38, 1-based): chr11:108,281,028, G>T. VCF-style: chr11-108281028-G-T. GRCh37 (hg19) VCF-style: chr11-108151755-G-T.
Other names: c.3436G>T, p.Glu1146Ter (NM_001351834.2); short protein forms E1146*.
Identifiers: ClinVar variation 578382 (VCV000578382.9), dbSNP rs1565441511, ClinGen allele CA382519168.